The following is an entry in ClinVar:

ClinVar aggregate classification (germline): Uncertain significance. Review status: criteria provided, multiple submitters, no conflicts (2 of 4 stars). 3 submissions from 3 submitters: Uncertain significance (3). Last evaluated 2025-08-28.

Conditions:
Autosomal recessive limb-girdle muscular dystrophy type 2A (LGMDR1). Also called: Calpainopathy; Muscular dystrophy, limb-girdle, type 2A, Amish; LEYDEN-MOEBIUS MUSCULAR DYSTROPHY; MUSCULAR DYSTROPHY, PELVOFEMORAL; Limb-girdle muscular dystrophy, type 2A. Identifiers: Orphanet 267, MedGen C1869123, MONDO:0009675, OMIM 253600. Disease mechanism: loss of function.
Inborn genetic diseases. Identifiers: MedGen C0950123, MeSH D030342.

Allele frequency attached by ClinVar (database versions not stated): ExAC 0.00002.
gnomAD v4.1: 3 of 1,614,126 alleles (0.00019%); highest among the groups gnomAD compares: Non-Finnish European, 0.00025%; no homozygotes.

Submissions (3):

Ambry Genetics
Classification: Uncertain significance for Inborn genetic diseases. Last evaluated: 2025-08-28. Review status: criteria provided, single submitter. Criteria: Ambry Variant Classification Scheme 2023. Collection method: clinical testing. Allele origin: germline.

Labcorp Genetics (formerly Invitae), Labcorp
Classification: Uncertain significance for Autosomal recessive limb-girdle muscular dystrophy type 2A. Last evaluated: 2023-12-18. Review status: criteria provided, single submitter. Criteria: Invitae Variant Classification Sherloc (09022015). Collection method: clinical testing. Allele origin: germline.
Comment: This sequence change replaces phenylalanine, which is neutral and non-polar, with leucine, which is neutral and non-polar, at codon 200 of the CAPN3 protein (p.Phe200Leu). This variant is present in population databases (rs775504869, gnomAD 0.002%). This variant has not been reported in the literature in individuals affected with CAPN3-related conditions. Advanced modeling of protein sequence and biophysical properties (such as structural, functional, and spatial information, amino acid conservation, physicochemical variation, residue mobility, and thermodynamic stability) performed at Invitae indicates that this missense variant is expected to disrupt CAPN3 protein function with a positive predictive value of 80%. In summary, the available evidence is currently insufficient to determine the role of this variant in disease. Therefore, it has been classified as a Variant of Uncertain Significance.

Athena Diagnostics
Classification: Uncertain significance. Last evaluated: 2023-03-09. Review status: criteria provided, single submitter. Criteria: Athena Diagnostics Criteria. Collection method: clinical testing. Allele origin: unknown.
Comment: Available data are insufficient to determine the clinical significance of the variant at this time. The frequency of this variant in the general population is uninformative in assessment of its pathogenicity. Computational tools predict that this variant is damaging.

NM_000070.3(CAPN3):c.600C>G (p.Phe200Leu)

Gene: CAPN3 (calpain 3; plus strand). Cytogenetic location: 15q15.1.
Variant type: single nucleotide variant.
Coding change: c.600C>G on transcript NM_000070.3 (MANE Select); coding-DNA position 600, C replaced by G.
Protein change: p.Phe200Leu; replaces phenylalanine 200 with leucine.
Molecular consequence: missense variant.
Genome position (GRCh38, 1-based): chr15:42,387,854, C>G. VCF-style: chr15-42387854-C-G. GRCh37 (hg19) VCF-style: chr15-42680052-C-G.
Other names: c.600C>G, p.Phe200Leu (NM_024344.2, NM_173087.2); c.339C>G, p.Phe113Leu (NM_212464.2); c.*293C>G (NM_212467.2); short protein forms F113L, F200L.
Identifiers: ClinVar variation 2684149 (VCV002684149.5), dbSNP rs775504869, ClinGen allele CA7511068.